The following is an entry in ClinVar:

NM_004168.4(SDHA):c.83C>T (p.Thr28Ile)

Gene: SDHA (succinate dehydrogenase complex flavoprotein subunit A; plus strand). Cytogenetic location: 5p15.33.
Variant type: single nucleotide variant.
Coding change: c.83C>T on transcript NM_004168.4 (MANE Select); coding-DNA position 83, C replaced by T.
Protein change: p.Thr28Ile; replaces threonine 28 with isoleucine.
Molecular consequence: missense variant.
Genome position (GRCh38, 1-based): chr5:223,501, C>T. VCF-style: chr5-223501-C-T. GRCh37 (hg19) VCF-style: chr5-223616-C-T.
Other names: c.83C>T (NM_004168.2); c.83C>T, p.Thr28Ile (NM_001294332.2, NM_001330758.2); short protein forms T28I.
Identifiers: ClinVar variation 1405886 (VCV001405886.10), dbSNP rs1171584124, ClinGen allele CA359008101.
Genomic context (GRCh38, chr5:223,501, plus strand): 5'-AGGACACTAACCCTCTGGATCTGTGTCTTCTGTGTCTCCAGTGGCCAACAGTGTTGCAAA[C>T]AGGAACCCGAGGTTTTCACTTCACTGTTGATGGGAACAAGAGGGCATCTGCTAAAGTTTC-3'
Protein context (NP_004159.2, residues 18-38): LAKAWPTVLQ[Thr28Ile]GTRGFHFTVD

ClinVar aggregate classification (germline): Conflicting classifications of pathogenicity. Review status: criteria provided, conflicting classifications (1 of 4 stars). 2 submissions from 2 submitters: Uncertain significance (1); Likely benign (1). Last evaluated 2026-02-06.

Conditions:
Hereditary cancer-predisposing syndrome. Also called: Tumor predisposition; Hereditary Cancer Syndrome; Hereditary neoplastic syndrome; Neoplastic Syndromes, Hereditary. Identifiers: Orphanet 140162, MedGen C0027672, MeSH D009386, MONDO:0015356.
Mitochondrial complex II deficiency, nuclear type 1. Also called: SUCCINATE CoQ REDUCTASE DEFICIENCY. Identifiers: Orphanet 3208, MedGen C5700310, MONDO:0100294, OMIM 252011.
Pheochromocytoma/paraganglioma syndrome 5. Also called: Paragangliomas 5; SDHA-Related Hereditary Paraganglioma-Pheochromocytoma Syndrome. Identifiers: Orphanet 29072, MedGen C3279992, MONDO:0013602, OMIM 614165.

Allele frequency attached by ClinVar (database versions not stated): gnomAD exomes below 0.00001.
gnomAD v4.1: 1 of 1,613,516 alleles (0.000062%); highest among the groups gnomAD compares: Non-Finnish European, 0.000085%; no homozygotes.

Submissions (2):

Ambry Genetics
Classification: Likely benign for Hereditary cancer-predisposing syndrome. Last evaluated: 2026-02-06. Review status: criteria provided, single submitter. Criteria: Ambry Variant Classification Scheme 2023. Collection method: clinical testing. Allele origin: germline.

Labcorp Genetics (formerly Invitae), Labcorp
Classification: Uncertain significance for Pheochromocytoma/paraganglioma syndrome 5; Mitochondrial complex II deficiency, nuclear type 1. Last evaluated: 2025-05-12. Review status: criteria provided, single submitter. Criteria: Invitae Variant Classification Sherloc (09022015). Collection method: clinical testing. Allele origin: germline.
Comment: This sequence change replaces threonine, which is neutral and polar, with isoleucine, which is neutral and non-polar, at codon 28 of the SDHA protein (p.Thr28Ile). This variant is present in population databases (no rsID available, gnomAD 0.0009%). This variant has not been reported in the literature in individuals affected with SDHA-related conditions. ClinVar contains an entry for this variant (Variation ID: 1405886). Invitae Evidence Modeling of protein sequence and biophysical properties (such as structural, functional, and spatial information, amino acid conservation, physicochemical variation, residue mobility, and thermodynamic stability) indicates that this missense variant is not expected to disrupt SDHA protein function with a negative predictive value of 95%. In summary, the available evidence is currently insufficient to determine the role of this variant in disease. Therefore, it has been classified as a Variant of Uncertain Significance.